The following is an entry in ClinVar:

NM_005732.4(RAD50):c.2265G>T (p.Gln755His)

Gene: RAD50 (RAD50 double strand break repair protein; plus strand). Cytogenetic location: 5q31.1.
Variant type: single nucleotide variant.
Coding change: c.2265G>T on transcript NM_005732.4 (MANE Select); coding-DNA position 2265, G replaced by T.
Protein change: p.Gln755His; replaces glutamine 755 with histidine.
Molecular consequence: missense variant.
Genome position (GRCh38, 1-based): chr5:132,603,357, G>T. VCF-style: chr5-132603357-G-T. GRCh37 (hg19) VCF-style: chr5-131939049-G-T.
Other names: short protein forms Q755H.
Identifiers: ClinVar variation 2586236 (VCV002586236.2), dbSNP rs2479664845, ClinGen allele CA360954153.
Genomic context (GRCh38, chr5:132,603,357, plus strand): 5'-TAGGCAAAGCATAATTGATTTGAAGGAGAAGGAAATACCAGAATTAAGAAACAAACTGCA[G>T]AATGTCAATAGAGACATACAGCGCCTAAAGAACGACATAGAAGAACAAGAAACACTCTTG-3'
Protein context (NP_005723.2, residues 745-765): KEIPELRNKL[Gln755His]NVNRDIQRLK

ClinVar aggregate classification (germline): Uncertain significance (1 of 4 stars; one submission).

Conditions:
Hereditary cancer-predisposing syndrome. Also called: Hereditary neoplastic syndrome; Tumor predisposition; Hereditary Cancer Syndrome; Neoplastic Syndromes, Hereditary. Identifiers: Orphanet 140162, MedGen C0027672, MeSH D009386, MONDO:0015356.

Submission:

Ambry Genetics
Classification: Uncertain significance for Hereditary cancer-predisposing syndrome. Last evaluated: 2023-06-17. Review status: criteria provided, single submitter. Criteria: Ambry Variant Classification Scheme 2023. Collection method: clinical testing. Allele origin: germline.
Comment: The p.Q755H variant (also known as c.2265G>T), located in coding exon 14 of the RAD50 gene, results from a G to T substitution at nucleotide position 2265. The glutamine at codon 755 is replaced by histidine, an amino acid with highly similar properties. This amino acid position is conserved. In addition, this alteration is predicted to be tolerated by in silico analysis. Since supporting evidence is limited at this time, the clinical significance of this alteration remains unclear.